The following is an entry in ClinVar:

NM_001267550.2(TTN):c.99340T>C (p.Leu33114=)

Genes: TTN (titin; minus strand), TTN-AS1 (TTN antisense RNA 1; plus strand). Cytogenetic location: 2q31.2.
Variant type: single nucleotide variant.
Coding change: c.99340T>C on transcript NM_001267550.2 (MANE Select); coding-DNA position 99340, T replaced by C.
Protein change: p.Leu33114=; no amino-acid change (leucine 33114 retained).
Molecular consequence: synonymous variant.
Genome position (GRCh38, 1-based): chr2:178,537,867, A>G on the plus strand (T>C on the coding strand, the complement: TTN is on the minus strand). VCF-style: chr2-178537867-A-G. GRCh37 (hg19) VCF-style: chr2-179402594-A-G.
Other names: c.94417T>C, p.Leu31473= (NM_001256850.1); c.91636T>C, p.Leu30546= (NM_133378.4); c.72145T>C, p.Leu24049= (NM_003319.4); c.72520T>C, p.Leu24174= (NM_133432.3); c.72721T>C, p.Leu24241= (NM_133437.4); c.99340T>C (NM_001267550.1).
Identifiers: ClinVar variation 47616 (VCV000047616.66), dbSNP rs371656672, ClinGen allele CA141509.

ClinVar aggregate classification (germline): Conflicting classifications of pathogenicity. Review status: criteria provided, conflicting classifications (1 of 4 stars). 16 submissions from 16 submitters: Uncertain significance (1); Likely benign (13). 2 of the submissions do not count toward it. Last evaluated 2026-02-01.

Conditions:
TTN-related disorder. Also called: TTN-related condition; TTN-related disease; TTN-related disorders.
Cardiovascular phenotype. Identifiers: MedGen CN230736.
Dilated cardiomyopathy 1G (CMD1G). Identifiers: Orphanet 154, MedGen C1858763, MONDO:0011400, OMIM 604145.
Autosomal recessive limb-girdle muscular dystrophy type 2J (LGMDR10). Also called: Limb-girdle muscular dystrophy, type 2J; MUSCULAR DYSTROPHY, LIMB-GIRDLE, AUTOSOMAL RECESSIVE 10. Identifiers: Orphanet 140922, MedGen C1837342, MONDO:0012127, OMIM 608807.
Cardiomyopathy (CMYO). Also called: Cardiomyopathies. Identifiers: Orphanet 167848, MedGen C0878544, MONDO:0004994, HP:0001638. Inheritance: Various modes of inheritance.

Allele frequency attached by ClinVar (database versions not stated): ESP Exome Variant Server 0.00008; gnomAD 0.00014 and 0.00015; ExAC 0.00018; TOPMed 0.00020; gnomAD exomes 0.00023 and 0.00029.
gnomAD v4.1: 451 of 1,613,242 alleles (0.028%); highest among the groups gnomAD compares: Middle Eastern, 0.099%; no homozygotes.

Submissions (16):

CeGaT Center for Human Genetics Tuebingen
Classification: Likely benign. Last evaluated: 2026-02-01. Review status: criteria provided, single submitter. Criteria: CeGaT Center For Human Genetics Tuebingen Variant Classification Criteria Version 2. Collection method: clinical testing. Allele origin: germline. Affected: yes. Observed: 7 variant alleles.
Comment: TTN: BP4, BP7

Labcorp Genetics (formerly Invitae), Labcorp
Classification: Likely benign for Dilated cardiomyopathy 1G; Autosomal recessive limb-girdle muscular dystrophy type 2J. Last evaluated: 2026-01-19. Review status: criteria provided, single submitter. Criteria: Invitae Variant Classification Sherloc (09022015). Collection method: clinical testing. Allele origin: germline.

PreventionGenetics, part of Exact Sciences
Classification: Likely benign for TTN-related condition. Last evaluated: 2025-05-30. Review status: criteria provided, single submitter. Criteria: ACMG Guidelines, 2015. Collection method: clinical testing. Allele origin: germline.
Comment: This variant is classified as likely benign based on ACMG/AMP sequence variant interpretation guidelines (Richards et al. 2015 PMID: 25741868, with internal and published modifications).

Molecular Diagnostic Laboratory for Inherited Cardiovascular Disease, Montreal Heart Institute
Classification: Likely benign. Last evaluated: 2025-04-09. Review status: criteria provided, single submitter. Criteria: ACMG Guidelines, 2015. Collection method: clinical testing. Allele origin: germline. Affected: no.

Laboratory of Genetics, Children's Clinical University Hospital Latvia
Classification: Likely benign. Last evaluated: 2025-02-16. Review status: criteria provided, single submitter. Criteria: ACMG Guidelines, 2015. Collection method: clinical testing. Allele origin: germline. Affected: yes.

Blueprint Genetics
Classification: Likely benign. Last evaluated: 2024-11-22. Review status: criteria provided, single submitter. Criteria: ACMG Guidelines, 2015. Collection method: clinical testing. Allele origin: germline.

Women's Health and Genetics/Laboratory Corporation of America, LabCorp
Classification: Likely benign. Last evaluated: 2023-08-26. Review status: criteria provided, single submitter. Criteria: LabCorp Variant Classification Summary - May 2015. Collection method: clinical testing. Allele origin: germline.

CHEO Genetics Diagnostic Laboratory, Children's Hospital of Eastern Ontario
Classification: Likely benign for Cardiomyopathy. Last evaluated: 2022-06-29. Review status: criteria provided, single submitter. Criteria: ACMG Guidelines, 2015. Collection method: clinical testing. Allele origin: germline.

Athena Diagnostics
Classification: Likely benign. Last evaluated: 2021-03-03. Review status: criteria provided, single submitter. Criteria: Athena Diagnostics criteria. Collection method: clinical testing. Allele origin: unknown.

GeneDx
Classification: Likely benign. Last evaluated: 2020-09-14. Review status: criteria provided, single submitter. Criteria: GeneDx Variant Classification Process June 2021. Collection method: clinical testing. Allele origin: germline. Affected: yes.

ARUP Laboratories, Molecular Genetics and Genomics, ARUP Laboratories
Classification: Likely benign. Last evaluated: 2019-01-14. Review status: criteria provided, single submitter. Criteria: ARUP Molecular Germline Variant Investigation Process. Collection method: clinical testing. Allele origin: germline.

Ambry Genetics
Classification: Likely benign for Cardiovascular phenotype. Last evaluated: 2018-03-22. Review status: criteria provided, single submitter. Criteria: Ambry Variant Classification Scheme 2023. Collection method: clinical testing. Allele origin: germline.

Eurofins Ntd Llc (ga)
Classification: Uncertain significance. Last evaluated: 2016-03-02. Review status: criteria provided, single submitter. Criteria: EGL Classification Definitions 2015. Collection method: clinical testing. Allele origin: germline. Observed: 5 variant alleles, 5 heterozygotes.

Laboratory for Molecular Medicine, Mass General Brigham Personalized Medicine
Classification: Likely benign. Last evaluated: 2012-07-25. Review status: criteria provided, single submitter. Criteria: LMM Criteria. Collection method: clinical testing. Allele origin: germline. Observed: 1 variant allele.
Comment: Leu30546Leu in exon 304 of TTN: This variant is not expected to have clinical si gnificance because it does not alter an amino acid residue and is not located wi thin the splice consensus sequence. It has been identified in 1/8232 European Am erican chromosomes from a broad population by the NHLBI Exome Sequencing Project. Leu30546Leu in exon 304 of TTN (allele fr equency =1/8232) **

Clinical Genetics DNA and cytogenetics Diagnostics Lab, Erasmus MC, Erasmus Medical Center
Classification: Likely benign. Review status: no assertion criteria provided. Collection method: clinical testing. Allele origin: germline. Affected: yes. Study: VKGL Data-share Consensus. Not counted in ClinVar's aggregate classification.

Clinical Genetics, Academic Medical Center
Classification: Benign. Review status: no assertion criteria provided. Collection method: clinical testing. Allele origin: germline. Affected: yes. Study: VKGL Data-share Consensus. Not counted in ClinVar's aggregate classification.